The following is an entry in ClinVar:

ClinVar aggregate classification (germline): Uncertain significance (1 of 4 stars; one submission).

Conditions:
Intellectual developmental disorder, X-linked, syndromic, Claes-Jensen type. Also called: INTELLECTUAL DEVELOPMENTAL DISORDER, X-LINKED, SYNDROMIC 16; MENTAL RETARDATION, X-LINKED, SYNDROMIC 16; Syndromic X-linked intellectual disability Claes-Jensen type. Identifiers: Orphanet 85279, MedGen C1845243, MONDO:0010355, OMIM 300534.

Submission:

Victorian Clinical Genetics Services, Murdoch Childrens Research Institute
Classification: Uncertain significance for Intellectual developmental disorder, X-linked, syndromic, Claes-Jensen type. Last evaluated: 2020-10-19. Review status: criteria provided, single submitter. Criteria: ACMG Guidelines, 2015. Collection method: clinical testing. Allele origin: germline. Inheritance: X-linked recessive inheritance. Affected: yes.
Comment: Based on the classification scheme VCGS_Germline_v1.3.3, this variant is classified as 3A-VUS. Following criteria are met: 0102 - Loss of function is a known mechanism of disease in this gene and is associated with KDM5C-related intellectual disability syndrome. (I) 0109 - This gene is associated with X-linked recessive disease. (I) 0200 - Variant is predicted to result in a missense amino acid change from phenylalanine to leucine. (I) 0253 - This variant is hemizygous. (I) 0301 - Variant is absent from gnomAD (both v2 and v3). (SP) 0502 - Missense variant with conflicting in silico predictions and uninformative conservation. (I) 0603 - Missense variant in a region that is highly intolerant to missense variation (high constraint region in DECIPHER). (SP) 0705 - No comparable missense variants have previous evidence for pathogenicity. (I) 0807 - This variant has no previous evidence of pathogenicity. (I) 0905 - No published segregation evidence has been identified for this variant. (I) 1007 - No published functional evidence has been identified for this variant. (I) Legend: (SP) - Supporting pathogenic, (I) - Information, (SB) - Supporting benign

NM_004187.5(KDM5C):c.189C>A (p.Phe63Leu)

Gene: KDM5C (lysine demethylase 5C; minus strand). Cytogenetic location: Xp11.22.
Variant type: single nucleotide variant.
Coding change: c.189C>A on transcript NM_004187.5 (MANE Select); coding-DNA position 189, C replaced by A.
Protein change: p.Phe63Leu; replaces phenylalanine 63 with leucine.
Molecular consequence: missense variant. On other transcripts: non-coding transcript variant (3), intron variant (1).
Genome position (GRCh38, 1-based): chrX:53,220,878, G>T on the plus strand (C>A on the coding strand, the complement: KDM5C is on the minus strand). VCF-style: chrX-53220878-G-T. GRCh37 (hg19) VCF-style: chrX-53250060-G-T.
Other names: c.189C>A, p.Phe63Leu (NM_001282622.3, NM_001353978.3, NM_001353979.2 and 3 more transcripts); c.151-2912C>A (NM_001146702.2); short protein forms F63L.
Identifiers: ClinVar variation 1805853 (VCV001805853.1), dbSNP rs2519599406, ClinGen allele CA413132579.
Genomic context (GRCh38, chrX:53,220,878, plus strand): 5'-ACCAGCTCCTAGTCTTCTCACCTCTAGCTCATTCAGCCTCTGGATTCGGGGGGTAAACCT[G>T]AAGTTGTCCACTTCCACAGCAAAGGGTGGCTGCCAGTCCTGAGAGGGTAGAGAGGGGAAA-3'
Protein context (NP_004178.2, residues 53-73): QPPFAVEVDN[Phe63Leu]RFTPRIQRLN